The following is an entry in ClinVar:

NM_001164508.2(NEB):c.6747del (p.His2249fs)

Gene: NEB (nebulin; minus strand). Cytogenetic location: 2q23.3.
Variant type: Deletion.
Coding change: c.6747del on transcript NM_001164508.2 (MANE Select); coding-DNA position 6747, one base deleted (T; older notation c.6747delT).
Protein change: p.His2249fs; shifts the reading frame from histidine 2249.
Molecular consequence: frameshift variant.
Genome position (GRCh38, 1-based): chr2:151,655,330, A deleted on the plus strand (T on the coding strand, the reverse complement: NEB is on the minus strand). VCF-style (leftmost placement, unchanged base first): chr2-151655329-CA-C. GRCh37 (hg19) VCF-style: chr2-152511843-CA-C.
Other names: c.6747del (NM_001271208.1); c.6747del, p.His2249fs (NM_001164507.2, NM_001271208.2, NM_004543.5); c.6747delT, p.His2249Glnfs (NM_001271208.1); short protein forms H2249fs.
Identifiers: ClinVar variation 2677085 (VCV002677085.2), dbSNP rs2099075974, ClinGen allele CA1298283169.

ClinVar aggregate classification (germline): Pathogenic/Likely pathogenic. Review status: criteria provided, multiple submitters, no conflicts (2 of 4 stars). 2 submissions from 2 submitters: Pathogenic (1); Likely pathogenic (1). Last evaluated 2026-01-02.

Conditions:
Arthrogryposis multiplex congenita 6. Identifiers: MedGen C5543431, MONDO:0030281, OMIM 619334.
Nemaline myopathy 2 (NEM2). Also called: Nemaline myopathy 2, autosomal recessive. Identifiers: MedGen C1850569, MONDO:0009725, OMIM 256030.

Submissions (2):

Myriad Genetics, Inc.
Classification: Pathogenic for Nemaline myopathy 2. Last evaluated: 2026-01-02. Review status: criteria provided, single submitter. Criteria: Myriad Autosomal Dominant, Autosomal Recessive and X-Linked Classification Criteria (2023). Collection method: clinical testing. Allele origin: unknown.
Comment: NM_001271208.1(NEB):c.6747delT(H2249Qfs*2) is expected to be pathogenic in the context of NEB-related nemaline myopathy. This variant is predicted to lead to an abnormal or absent protein product due to the creation of a premature termination codon in NEB, a gene where loss-of-function variants are known to be pathogenic. Please note: this variant was assessed in the context of healthy population screening.

Baylor Genetics
Classification: Likely pathogenic for Arthrogryposis multiplex congenita 6. Last evaluated: 2023-06-19. Review status: criteria provided, single submitter. Criteria: ACMG Guidelines, 2015. Collection method: clinical testing. Allele origin: unknown.